The following is an entry in ClinVar:

NM_001098816.3(TENM4):c.3685C>T (p.Leu1229Phe)

Gene: TENM4 (teneurin transmembrane protein 4; minus strand). Cytogenetic location: 11q14.1.
Variant type: single nucleotide variant.
Coding change: c.3685C>T on transcript NM_001098816.3 (MANE Select); coding-DNA position 3685, C replaced by T.
Protein change: p.Leu1229Phe; replaces leucine 1229 with phenylalanine.
Molecular consequence: missense variant.
Genome position (GRCh38, 1-based): chr11:78,722,783, G>A on the plus strand (C>T on the coding strand, the complement: TENM4 is on the minus strand). VCF-style: chr11-78722783-G-A. GRCh37 (hg19) VCF-style: chr11-78433828-G-A.
Other names: short protein forms L1229F.
Identifiers: ClinVar variation 2412305 (VCV002412305.2), dbSNP rs1855420580, ClinGen allele CA382120598.

ClinVar aggregate classification (germline): Uncertain significance (1 of 4 stars; one submission).

Allele frequency attached by ClinVar (database versions not stated): gnomAD exomes 0.00002.
gnomAD v4.1: 36 of 1,614,090 alleles (0.0022%); highest among the groups gnomAD compares: Non-Finnish European, 0.003%; no homozygotes.

Submission:

Ambry Genetics
Classification: Uncertain significance. Last evaluated: 2021-12-14. Review status: criteria provided, single submitter. Criteria: Ambry Variant Classification Scheme 2023. Collection method: clinical testing. Allele origin: germline.
Comment: The c.3685C>T (p.L1229F) alteration is located in exon 24 (coding exon 20) of the TENM4 gene. This alteration results from a C to T substitution at nucleotide position 3685, causing the leucine (L) at amino acid position 1229 to be replaced by a phenylalanine (F). This variant was not reported in population-based cohorts in the Genome Aggregation Database (gnomAD). This amino acid position is highly conserved in available vertebrate species. This alteration is predicted to be deleterious by in silico analysis. Based on insufficient or conflicting evidence, the clinical significance of this alteration remains unclear.